The following is an entry in ClinVar:

NM_001242957.3(MAK):c.269T>G (p.Met90Arg)

Gene: MAK (male germ cell associated kinase; minus strand). Cytogenetic location: 6p24.2.
Variant type: single nucleotide variant.
Coding change: c.269T>G on transcript NM_001242957.3 (MANE Select); coding-DNA position 269, T replaced by G.
Protein change: p.Met90Arg; replaces methionine 90 with arginine.
Molecular consequence: missense variant. On other transcripts: non-coding transcript variant (2).
Genome position (GRCh38, 1-based): chr6:10,817,859, A>C on the plus strand (T>G on the coding strand, the complement: MAK is on the minus strand). VCF-style: chr6-10817859-A-C. GRCh37 (hg19) VCF-style: chr6-10818092-A-C.
Other names: c.269T>G, p.Met90Arg (NM_001242385.2, NM_005906.6); c.167T>G, p.Met56Arg (NM_001377262.1); short protein forms M56R, M90R.
Identifiers: ClinVar variation 998651 (VCV000998651.5), dbSNP rs1287561741, ClinGen allele CA362721261.

ClinVar aggregate classification (germline): Uncertain significance (1 of 4 stars; one submission).

Allele frequency attached by ClinVar (database versions not stated): gnomAD 0.00001; gnomAD exomes 0.00001 and 0.00002; TOPMed 0.00001.
gnomAD v4.1: 23 of 1,488,848 alleles (0.0015%); highest among the groups gnomAD compares: Non-Finnish European, 0.002%; no homozygotes.

Submission:

Labcorp Genetics (formerly Invitae), Labcorp
Classification: Uncertain significance. Last evaluated: 2022-08-09. Review status: criteria provided, single submitter. Criteria: Invitae Variant Classification Sherloc (09022015). Collection method: clinical testing. Allele origin: germline.
Comment: In summary, the available evidence is currently insufficient to determine the role of this variant in disease. Therefore, it has been classified as a Variant of Uncertain Significance. Advanced modeling of protein sequence and biophysical properties (such as structural, functional, and spatial information, amino acid conservation, physicochemical variation, residue mobility, and thermodynamic stability) performed at Invitae indicates that this missense variant is not expected to disrupt MAK protein function. ClinVar contains an entry for this variant (Variation ID: 998651). This variant has not been reported in the literature in individuals affected with MAK-related conditions. This variant is present in population databases (no rsID available, gnomAD 0.002%). This sequence change replaces methionine, which is neutral and non-polar, with arginine, which is basic and polar, at codon 90 of the MAK protein (p.Met90Arg).